The following is an entry in ClinVar:

ClinVar aggregate classification (germline): Uncertain significance (1 of 4 stars; one submission).

Conditions:
Acyl-CoA oxidase deficiency. Also called: STRAIGHT-CHAIN ACYL-CoA OXIDASE DEFICIENCY; Pseudoneonatal adrenoleukodystrophy; Peroxisomal acyl-CoA oxidase deficiency. Identifiers: Orphanet 2971, MedGen C1849678, MONDO:0009919, OMIM 264470. Disease mechanism: loss of function.

gnomAD v4.1: 7 of 1,613,976 alleles (0.00043%); highest among the groups gnomAD compares: African/African-American, 0.0013%; no homozygotes.

Submission:

Labcorp Genetics (formerly Invitae), Labcorp
Classification: Uncertain significance for Acyl-CoA oxidase deficiency. Last evaluated: 2025-08-09. Review status: criteria provided, single submitter. Criteria: Invitae Variant Classification Sherloc (09022015). Collection method: clinical testing. Allele origin: germline.
Comment: This sequence change replaces alanine, which is neutral and non-polar, with threonine, which is neutral and polar, at codon 499 of the ACOX1 protein (p.Ala499Thr). This variant is not present in population databases (gnomAD no frequency). This variant has not been reported in the literature in individuals affected with ACOX1-related conditions. Invitae Evidence Modeling of protein sequence and biophysical properties (such as structural, functional, and spatial information, amino acid conservation, physicochemical variation, residue mobility, and thermodynamic stability) indicates that this missense variant is not expected to disrupt ACOX1 protein function with a negative predictive value of 80%. In summary, the available evidence is currently insufficient to determine the role of this variant in disease. Therefore, it has been classified as a Variant of Uncertain Significance.

NM_004035.7(ACOX1):c.1495G>A (p.Ala499Thr)

Gene: ACOX1 (acyl-CoA oxidase 1; minus strand). Cytogenetic location: 17q25.1.
Variant type: single nucleotide variant.
Coding change: c.1495G>A on transcript NM_004035.7 (MANE Select); coding-DNA position 1495, G replaced by A.
Protein change: p.Ala499Thr; replaces alanine 499 with threonine.
Molecular consequence: missense variant.
Genome position (GRCh38, 1-based): chr17:75,949,584, C>T on the plus strand (G>A on the coding strand, the complement: ACOX1 is on the minus strand). VCF-style: chr17-75949584-C-T. GRCh37 (hg19) VCF-style: chr17-73945665-C-T.
Other names: c.1381G>A, p.Ala461Thr (NM_001185039.2); c.1495G>A, p.Ala499Thr (NM_007292.6); short protein forms A461T, A499T.
Identifiers: ClinVar variation 4750151 (VCV004750151.1).